The following is an entry in ClinVar:

NM_021930.6(RINT1):c.-2A>C

Gene: RINT1 (RAD50 interactor 1; plus strand). Cytogenetic location: 7q22.3.
Variant type: single nucleotide variant.
Coding change: c.-2A>C on transcript NM_021930.6 (MANE Select); 2 bases upstream of the start codon, A replaced by C.
Molecular consequence: 5 prime UTR variant. On other transcripts: non-coding transcript variant (1).
Genome position (GRCh38, 1-based): chr7:105,532,314, A>C. VCF-style: chr7-105532314-A-C. GRCh37 (hg19) VCF-style: chr7-105172761-A-C.
Other names: c.-99A>C (NM_001346599.2); c.-1021A>C (NM_001346600.2); c.-924A>C (NM_001346601.2); c.-544A>C (NM_001346603.2).
Identifiers: ClinVar variation 2561624 (VCV002561624.2), dbSNP rs2485088730, ClinGen allele CA2580617067.

ClinVar aggregate classification (germline): Uncertain significance (1 of 4 stars; one submission).

Submission:

Ambry Genetics
Classification: Uncertain significance. Last evaluated: 2023-05-02. Review status: criteria provided, single submitter. Criteria: Ambry Variant Classification Scheme 2023. Collection method: clinical testing. Allele origin: germline.
Comment: The c.-2A>C variant is located in the 5' untranslated region (5&rsquo; UTR) of the RINT1 gene. This variant results from an A to C substitution 2 bases upstream from the first translated codon. This nucleotide position is not well conserved in available vertebrate species. The evidence for this gene-disease relationship is limited; therefore, the clinical significance of this alteration is unclear.